The following is an entry in ClinVar:

ClinVar aggregate classification (germline): Uncertain significance (1 of 4 stars; one submission).

Conditions:
Familial cancer of breast. Also called: hereditary breast carcinoma; BREAST CANCER, FAMILIAL; Hereditary breast cancer. Identifiers: Orphanet 227535, MedGen C0346153, MONDO:0016419, OMIM 114480. Disease mechanism: loss of function.

Submission:

Labcorp Genetics (formerly Invitae), Labcorp
Classification: Uncertain significance for Familial cancer of breast. Last evaluated: 2023-10-16. Review status: criteria provided, single submitter. Criteria: Invitae Variant Classification Sherloc (09022015). Collection method: clinical testing. Allele origin: germline.
Comment: This sequence change replaces serine, which is neutral and polar, with alanine, which is neutral and non-polar, at codon 184 of the BARD1 protein (p.Ser184Ala). This variant is not present in population databases (gnomAD no frequency). This variant has not been reported in the literature in individuals affected with BARD1-related conditions. An algorithm developed to predict the effect of missense changes on protein structure and function (PolyPhen-2) suggests that this variant is likely to be disruptive. Experimental studies are conflicting or provide insufficient evidence to determine the effect of this variant on BARD1 function (PMID: 15855157). In summary, the available evidence is currently insufficient to determine the role of this variant in disease. Therefore, it has been classified as a Variant of Uncertain Significance.

Literature cited by the submitters: PubMed 15855157.

NM_000465.4(BARD1):c.550T>G (p.Ser184Ala)

Gene: BARD1 (BRCA1 associated RING domain 1; minus strand). Cytogenetic location: 2q35.
Variant type: single nucleotide variant.
Coding change: c.550T>G on transcript NM_000465.4 (MANE Select); coding-DNA position 550, T replaced by G.
Protein change: p.Ser184Ala; replaces serine 184 with alanine.
Molecular consequence: missense variant. On other transcripts: non-coding transcript variant (2), intron variant (3).
Genome position (GRCh38, 1-based): chr2:214,781,324, A>C on the plus strand (T>G on the coding strand, the complement: BARD1 is on the minus strand). VCF-style: chr2-214781324-A-C. GRCh37 (hg19) VCF-style: chr2-215646048-A-C.
Other names: c.493T>G, p.Ser165Ala (NM_001282543.2); c.158+28088T>G (NM_001282548.2); c.215+15737T>G (NM_001282545.2); c.364+10973T>G (NM_001282549.2); short protein forms S184A, S165A.
Identifiers: ClinVar variation 2768996 (VCV002768996.3), dbSNP rs2469512001, ClinGen allele CA350457405.